The following is an entry in ClinVar:

ClinVar aggregate classification (germline): Uncertain significance (1 of 4 stars; one submission).

Conditions:
Hypercholesterolemia, autosomal dominant, type B (FHCL2). Also called: APOB-Related Familial Hypercholesterolemia, Autosomal Dominant; Familial Hypercholesterolemia Type B; APOLIPOPROTEIN B-100, FAMILIAL DEFECTIVE; APOLIPOPROTEIN B-100, FAMILIAL LIGAND-DEFECTIVE; HYPERCHOLESTEROLEMIA, FAMILIAL, DUE TO LIGAND-DEFECTIVE APOLIPOPROTEIN B; Hyperlipoproteinemia Type IIb. Identifiers: MedGen C1704417, MONDO:0007751, OMIM 144010.
Familial hypobetalipoproteinemia 1. Also called: Hypobetalipoproteinemia, normotriglyceridemic; Acanthocytosis with hypobetalipoproteinemia; APOB-Related Familial Hypobetalipoproteinemia. Identifiers: MedGen C4551990, MONDO:0014252, OMIM 615558.

Submission:

Labcorp Genetics (formerly Invitae), Labcorp
Classification: Uncertain significance for Familial hypobetalipoproteinemia 1; Hypercholesterolemia, autosomal dominant, type B. Last evaluated: 2023-06-16. Review status: criteria provided, single submitter. Criteria: Invitae Variant Classification Sherloc (09022015). Collection method: clinical testing. Allele origin: germline.
Comment: This sequence change replaces proline, which is neutral and non-polar, with threonine, which is neutral and polar, at codon 3293 of the APOB protein (p.Pro3293Thr). This variant is not present in population databases (gnomAD no frequency). This variant has not been reported in the literature in individuals affected with APOB-related conditions. Advanced modeling of protein sequence and biophysical properties (such as structural, functional, and spatial information, amino acid conservation, physicochemical variation, residue mobility, and thermodynamic stability) performed at Invitae indicates that this missense variant is not expected to disrupt APOB protein function. In summary, the available evidence is currently insufficient to determine the role of this variant in disease. Therefore, it has been classified as a Variant of Uncertain Significance.

NM_000384.3(APOB):c.9877C>A (p.Pro3293Thr)

Gene: APOB (apolipoprotein B; minus strand). Cytogenetic location: 2p24.1.
Variant type: single nucleotide variant.
Coding change: c.9877C>A on transcript NM_000384.3 (MANE Select); coding-DNA position 9877, C replaced by A.
Protein change: p.Pro3293Thr; replaces proline 3293 with threonine.
Molecular consequence: missense variant.
Genome position (GRCh38, 1-based): chr2:21,006,991, G>T on the plus strand (C>A on the coding strand, the complement: APOB is on the minus strand). VCF-style: chr2-21006991-G-T. GRCh37 (hg19) VCF-style: chr2-21229863-G-T.
Other names: short protein forms P3293T.
Identifiers: ClinVar variation 2948922 (VCV002948922.3), dbSNP rs1344177591, ClinGen allele CA345988374.